The following is an entry in ClinVar:

ClinVar aggregate classification (germline): Likely benign. Review status: criteria provided, multiple submitters, no conflicts (2 of 4 stars). 2 submissions from 2 submitters: Likely benign (2). Last evaluated 2025-12-22.

Conditions:
NPC1-related disorder. Also called: NPC1-related condition.
Niemann-Pick disease, type C1. Also called: NIEMANN-PICK DISEASE, VARIANT TYPE C1; NEUROVISCERAL STORAGE DISEASE WITH VERTICAL SUPRANUCLEAR OPHTHALMOPLEGIA; NIEMANN-PICK DISEASE WITH CHOLESTEROL ESTERIFICATION BLOCK; NIEMANN-PICK DISEASE WITHOUT SPHINGOMYELINASE DEFICIENCY; NIEMANN-PICK DISEASE, CHRONIC NEURONOPATHIC FORM. Identifiers: Orphanet 646, MedGen C3179455, MONDO:0009757, OMIM 257220.

Submissions (2):

Labcorp Genetics (formerly Invitae), Labcorp
Classification: Likely benign for Niemann-Pick disease, type C1. Last evaluated: 2025-12-22. Review status: criteria provided, single submitter. Criteria: Invitae Variant Classification Sherloc (09022015). Collection method: clinical testing. Allele origin: germline.

PreventionGenetics, part of Exact Sciences
Classification: Likely benign for NPC1-related condition. Last evaluated: 2025-05-28. Review status: criteria provided, single submitter. Criteria: ACMG Guidelines, 2015. Collection method: clinical testing. Allele origin: germline.
Comment: This variant is classified as likely benign based on ACMG/AMP sequence variant interpretation guidelines (Richards et al. 2015 PMID: 25741868, with internal and published modifications).

NM_000271.5(NPC1):c.1947+15_1947+16insGGT

Gene: NPC1 (NPC intracellular cholesterol transporter 1; minus strand). Cytogenetic location: 18q11.2.
Variant type: Insertion.
Coding change: c.1947+15_1947+16insGGT on transcript NM_000271.5 (MANE Select); bases 15 to 16 of the intron after coding-DNA position 1947, GGT inserted.
Molecular consequence: intron variant.
Genome position: GRCh38 VCF-style: chr18-23544944-C-CCCA. GRCh37 (hg19) VCF-style: chr18-21124908-C-CCCA.
Other names: c.1947+15_1947+16insTGG (NM_000271.4).
Identifiers: ClinVar variation 1441017 (VCV001441017.7), dbSNP rs1555634624, ClinGen allele CA8913291.